The following is an entry in ClinVar:

ClinVar aggregate classification (germline): Uncertain significance (1 of 4 stars; one submission).

Conditions:
Neurodevelopmental disorder with microcephaly, arthrogryposis, and structural brain anomalies. Identifiers: Orphanet 664923, MedGen C5231431, MONDO:0032838, OMIM 618622.

Submission:

Juno Genomics, Hangzhou Juno Genomics, Inc
Classification: Uncertain significance for Neurodevelopmental disorder with microcephaly, arthrogryposis, and structural brain anomalies. Review status: criteria provided, single submitter. Criteria: ACMG Guidelines, 2015. Collection method: clinical testing. Allele origin: germline.
Comment: Null variant in a gene where loss of function (LOF) is a known mechanism of disease.;Absent from controls (or at extremely low frequency if recessive) in Genome Aggregation Database.

NM_017951.5(SMPD4):c.2025+1G>A

Gene: SMPD4 (sphingomyelin phosphodiesterase 4; minus strand). Cytogenetic location: 2q21.1.
Variant type: single nucleotide variant.
Coding change: c.2025+1G>A on transcript NM_017951.5 (MANE Select); the canonical splice donor site of the intron after coding-DNA position 2025, G replaced by A.
Molecular consequence: splice donor variant.
Genome position (GRCh38, 1-based): chr2:130,153,318, C>T on the plus strand (G>A on the coding strand, the complement: SMPD4 is on the minus strand). VCF-style: chr2-130153318-C-T. GRCh37 (hg19) VCF-style: chr2-130910891-C-T.
Other names: c.1836+1G>A (NM_001171083.2); c.2055+1G>A (NM_017751.4).
Identifiers: ClinVar variation 5006066 (VCV005006066.2).